The following is an entry in ClinVar:

ClinVar aggregate classification (germline): Uncertain significance (1 of 4 stars; one submission).

Conditions:
Cardiovascular phenotype. Identifiers: MedGen CN230736.

Allele frequency attached by ClinVar (database versions not stated): ExAC 0.00002.
gnomAD v4.1: 100 of 1,613,298 alleles (0.0062%); highest among the groups gnomAD compares: Admixed American, 0.012%; no homozygotes.

Submission:

Ambry Genetics
Classification: Uncertain significance for Cardiovascular phenotype. Last evaluated: 2019-03-05. Review status: criteria provided, single submitter. Criteria: Ambry Variant Classification Scheme 2023. Collection method: clinical testing. Allele origin: germline.
Comment: The p.R5014Q variant (also known as c.15041G>A), located in coding exon 57 of the TTN gene, results from a G to A substitution at nucleotide position 15041. The arginine at codon 5014 is replaced by glutamine, an amino acid with highly similar properties. This amino acid position is not well conserved in available vertebrate species, and glutamine is the reference amino acid in other vertebrate species. In addition, this alteration is predicted to be tolerated by in silico analysis. Since supporting evidence is limited at this time, the clinical significance of this alteration remains unclear.

NM_001267550.2(TTN):c.42236G>A (p.Arg14079Gln)

Gene: TTN (titin; minus strand). Cytogenetic location: 2q31.2.
Variant type: single nucleotide variant.
Coding change: c.42236G>A on transcript NM_001267550.2 (MANE Select); coding-DNA position 42236, G replaced by A.
Protein change: p.Arg14079Gln; replaces arginine 14079 with glutamine.
Molecular consequence: missense variant.
Genome position (GRCh38, 1-based): chr2:178,634,545, C>T on the plus strand (G>A on the coding strand, the complement: TTN is on the minus strand). VCF-style: chr2-178634545-C-T. GRCh37 (hg19) VCF-style: chr2-179499272-C-T.
Other names: c.37313G>A, p.Arg12438Gln (NM_001256850.1); c.15041G>A, p.Arg5014Gln (NM_003319.4); c.34532G>A, p.Arg11511Gln (NM_133378.4); c.15416G>A, p.Arg5139Gln (NM_133432.3); c.15617G>A, p.Arg5206Gln (NM_133437.4); short protein forms R12438Q, R14079Q, R5206Q, R11511Q, R5014Q, R5139Q.
Identifiers: ClinVar variation 1774055 (VCV001774055.2), dbSNP rs746480872, ClinGen allele CA1996117.